The following is an entry in ClinVar:

ClinVar aggregate classification (germline): Pathogenic. Review status: criteria provided, multiple submitters, no conflicts (2 of 4 stars). 2 submissions from 2 submitters: Pathogenic (2). Last evaluated 2025-01-21.

Conditions:
Ehlers-Danlos syndrome, classic type, 1 (EDSCL1). Also called: EHLERS-DANLOS SYNDROME, GRAVIS TYPE; EHLERS-DANLOS SYNDROME, SEVERE CLASSIC TYPE; EDS I; Ehlers-Danlos Syndrome, Classic Type, COL5A1-Related; Ehlers-Danlos syndrome, type 1. Identifiers: MedGen C0268335, MONDO:0019567, OMIM 130000.

Submissions (2):

Labcorp Genetics (formerly Invitae), Labcorp
Classification: Pathogenic for Ehlers-Danlos syndrome, classic type, 1. Last evaluated: 2025-01-21. Review status: criteria provided, single submitter. Criteria: Invitae Variant Classification Sherloc (09022015). Collection method: clinical testing. Allele origin: germline.
Comment: This sequence change creates a premature translational stop signal (p.Gly502Aspfs*56) in the COL5A1 gene. It is expected to result in an absent or disrupted protein product. Loss-of-function variants in COL5A1 are known to be pathogenic (PMID: 23587214). This variant is not present in population databases (gnomAD no frequency). This variant has not been reported in the literature in individuals affected with COL5A1-related conditions. ClinVar contains an entry for this variant (Variation ID: 452770). For these reasons, this variant has been classified as Pathogenic.

GeneDx
Classification: Pathogenic. Last evaluated: 2018-06-07. Review status: criteria provided, single submitter. Criteria: GeneDx Variant Classification (06012015). Collection method: clinical testing. Allele origin: germline. Affected: yes.
Comment: Although the c.1503delT pathogenic variant in the COL5A1 gene has not been reported to our knowledge, this variant causes a shift in reading frame starting at codon glycine 502, changing it to an aspartic acid, and creating a premature stop codon at position 56 of the new reading frame, denoted p.Gly502AspfsX56. This pathogenic variant is expected to result in either an abnormal, truncated protein product or loss of protein from this allele through nonsense-mediated mRNA decay. Other frameshift variants in the COL5A1 gene have been reported in Human Gene Mutation Database in association with Ehlers-Danlos syndrome (EDS) (Stenson et al., 2014), indicating that loss of function is a mechanism of disease for this gene. Furthermore, the c.1503delT variant has not been observed in large population cohorts (Lek et al., 2016).

Literature cited by the submitters: PubMed 23587214 (cited by Labcorp Genetics (formerly Invitae), Labcorp).

NM_000093.5(COL5A1):c.1503del (p.Gly502fs)

Gene: COL5A1 (collagen type V alpha 1 chain; plus strand). Cytogenetic location: 9q34.3.
Variant type: Deletion.
Coding change: c.1503del on transcript NM_000093.5 (MANE Select); coding-DNA position 1503, one base deleted (T; older notation c.1503delT).
Protein change: p.Gly502fs; shifts the reading frame from glycine 502.
Molecular consequence: frameshift variant.
Genome position (GRCh38, 1-based): chr9:134,750,550, T deleted. VCF-style (leftmost placement, unchanged base first): chr9-134750549-CT-C. GRCh37 (hg19) VCF-style: chr9-137642395-CT-C.
Other names: c.1503del, p.Gly502fs (NM_001278074.1); short protein forms G502fs.
Identifiers: ClinVar variation 452770 (VCV000452770.11), dbSNP rs1554792011, ClinGen allele CA658657936.